The following is an entry in ClinVar:

NM_152866.3(MS4A1):c.624A>G (p.Ile208Met)

Gene: MS4A1 (membrane spanning 4-domains A1; plus strand). Cytogenetic location: 11q12.2.
Variant type: single nucleotide variant.
Coding change: c.624A>G on transcript NM_152866.3 (MANE Select); coding-DNA position 624, A replaced by G.
Protein change: p.Ile208Met; replaces isoleucine 208 with methionine.
Molecular consequence: missense variant.
Genome position (GRCh38, 1-based): chr11:60,467,009, A>G. VCF-style: chr11-60467009-A-G. GRCh37 (hg19) VCF-style: chr11-60234482-A-G.
Other names: c.624A>G, p.Ile208Met (NM_152867.2, NM_021950.4); short protein forms I208M.
Identifiers: ClinVar variation 2698065 (VCV002698065.3), dbSNP rs2495414017, ClinGen allele CA380600411.
Genomic context (GRCh38, chr11:60,467,009, plus strand): 5'-TGTTTTTCAGGGCATTTTGTCAGTGATGCTGATCTTTGCCTTCTTCCAGGAACTTGTAAT[A>G]GCTGGCATCGTTGAGAATGAATGGAAAAGAACGTGCTCCAGACCCAAATCTGTAAGTAGT-3'
Protein context (NP_690605.1, residues 198-218): LIFAFFQELV[Ile208Met]AGIVENEWKR

ClinVar aggregate classification (germline): Uncertain significance (1 of 4 stars; one submission).

Submission:

Labcorp Genetics (formerly Invitae), Labcorp
Classification: Uncertain significance. Last evaluated: 2024-10-26. Review status: criteria provided, single submitter. Criteria: Invitae Variant Classification Sherloc (09022015). Collection method: clinical testing. Allele origin: germline.
Comment: This sequence change replaces isoleucine, which is neutral and non-polar, with methionine, which is neutral and non-polar, at codon 208 of the MS4A1 protein (p.Ile208Met). This variant is not present in population databases (gnomAD no frequency). This variant has not been reported in the literature in individuals affected with MS4A1-related conditions. An algorithm developed to predict the effect of missense changes on protein structure and function (PolyPhen-2) suggests that this variant is likely to be tolerated. In summary, the available evidence is currently insufficient to determine the role of this variant in disease. Therefore, it has been classified as a Variant of Uncertain Significance.